The following is an entry in ClinVar:

ClinVar aggregate classification (germline): Benign. Review status: criteria provided, multiple submitters, no conflicts (2 of 4 stars). 6 submissions from 6 submitters: Benign (4). 2 of the submissions do not count toward it. Last evaluated 2026-02-02.

Conditions:
Congenital microcephaly - severe encephalopathy - progressive cerebral atrophy syndrome. Also called: Asparagine synthetase deficiency; ASNS DEFICIENCY. Identifiers: Orphanet 391376, MedGen C3809971, MONDO:0014258, OMIM 615574.
ASNS-related disorder. Also called: ASNS-related condition.

Allele frequency attached by ClinVar (database versions not stated): gnomAD exomes 0.00297; ExAC 0.00623; ESP Exome Variant Server 0.00861; gnomAD 0.00904 and 0.00932; TOPMed 0.01054; 1000 Genomes Project 30x 0.01359; 1000 Genomes Project 0.01438.
gnomAD v4.1: 5,909 of 1,613,962 alleles (0.37%); highest among the groups gnomAD compares: African/African-American, 2.6%; 57 homozygotes.

Submissions (6):

Labcorp Genetics (formerly Invitae), Labcorp
Classification: Benign. Last evaluated: 2026-02-02. Review status: criteria provided, single submitter. Criteria: Invitae Variant Classification Sherloc (09022015). Collection method: clinical testing. Allele origin: germline.

Mayo Clinic Laboratories, Mayo Clinic
Classification: Benign. Last evaluated: 2023-06-09. Review status: criteria provided, single submitter. Criteria: ACMG Guidelines, 2015. Collection method: clinical testing. Allele origin: germline. Observed: 7 variant alleles.
Comment: BA1, BP4, BP7

GeneDx
Classification: Benign. Last evaluated: 2019-08-26. Review status: criteria provided, single submitter. Criteria: GeneDx Variant Classification Process June 2021. Collection method: clinical testing. Allele origin: germline. Affected: yes.

Breakthrough Genomics
Classification: Benign. Review status: criteria provided, single submitter. Criteria: ACMG Guidelines, 2015. Collection method: not provided. Allele origin: germline. Inheritance: Autosomal recessive inheritance. Affected: yes.

Natera, Inc.
Classification: Benign for Asparagine synthetase deficiency. Last evaluated: 2020-09-16. Review status: no assertion criteria provided. Collection method: clinical testing. Allele origin: germline. Not counted in ClinVar's aggregate classification.

PreventionGenetics, part of Exact Sciences
Classification: Benign for ASNS-related condition. Last evaluated: 2020-01-20. Review status: no assertion criteria provided. Collection method: clinical testing. Allele origin: germline. Not counted in ClinVar's aggregate classification.
Comment: This variant is classified as benign based on ACMG/AMP sequence variant interpretation guidelines (Richards et al. 2015 PMID: 25741868, with internal and published modifications).

NM_001673.5(ASNS):c.18G>A (p.Ala6=)

Genes: ASNS (asparagine synthetase (glutamine-hydrolyzing); minus strand), CZ1P-ASNS (CZ1P-ASNS readthrough; minus strand). Cytogenetic location: 7q21.3.
Variant type: single nucleotide variant.
Coding change: c.18G>A on transcript NM_001673.5 (MANE Select); coding-DNA position 18, G replaced by A.
Protein change: p.Ala6=; no amino-acid change (alanine 6 retained).
Molecular consequence: synonymous variant. On other transcripts: non-coding transcript variant (1), intron variant (3).
Genome position (GRCh38, 1-based): chr7:97,869,139, C>T on the plus strand (G>A on the coding strand, the complement: ASNS is on the minus strand). VCF-style: chr7-97869139-C-T. GRCh37 (hg19) VCF-style: chr7-97498451-C-T.
Other names: p.Ala6=; c.18G>A, p.Ala6= (NM_001352496.2, NM_183356.4, NM_133436.3); c.-1+3212G>A (NM_001178076.2); c.-12-34G>A (NM_001178075.2); c.-1+2902G>A (NM_001178077.1).
Identifiers: ClinVar variation 771726 (VCV000771726.18), dbSNP rs76996735, ClinGen allele CA4354854.